The following is an entry in ClinVar:

NM_002691.4(POLD1):c.2507A>G (p.Asn836Ser)

Gene: POLD1 (DNA polymerase delta 1, catalytic subunit; plus strand). Cytogenetic location: 19q13.33.
Variant type: single nucleotide variant.
Coding change: c.2507A>G on transcript NM_002691.4 (MANE Select); coding-DNA position 2507, A replaced by G.
Protein change: p.Asn836Ser; replaces asparagine 836 with serine.
Molecular consequence: missense variant. On other transcripts: non-coding transcript variant (1).
Genome position (GRCh38, 1-based): chr19:50,414,933, A>G. VCF-style: chr19-50414933-A-G. GRCh37 (hg19) VCF-style: chr19-50918190-A-G.
Other names: c.2507A>G, p.Asn836Ser (NM_001256849.1); c.2585A>G, p.Asn862Ser (NM_001308632.1); short protein forms N836S, N862S.
Identifiers: ClinVar variation 469267 (VCV000469267.13), dbSNP rs1555792872, ClinGen allele CA406985146.

ClinVar aggregate classification (germline): Uncertain significance. Review status: criteria provided, multiple submitters, no conflicts (2 of 4 stars). 2 submissions from 2 submitters: Uncertain significance (2). Last evaluated 2026-01-15.

Conditions:
POLD1-related polyposis and colorectal cancer syndrome (CRCS10). Also called: Colorectal cancer 10; COLORECTAL CANCER, SUSCEPTIBILITY TO, ON CHROMOSOME 19q; Colorectal cancer, susceptibility to, 10. Identifiers: Orphanet 220460, MedGen C2675481, MONDO:0012953, OMIM 612591.
Hereditary cancer-predisposing syndrome. Also called: Neoplastic Syndromes, Hereditary; Hereditary neoplastic syndrome; Tumor predisposition; Hereditary Cancer Syndrome. Identifiers: Orphanet 140162, MedGen C0027672, MeSH D009386, MONDO:0015356.

Submissions (2):

Labcorp Genetics (formerly Invitae), Labcorp
Classification: Uncertain significance for POLD1-related polyposis and colorectal cancer syndrome. Last evaluated: 2026-01-15. Review status: criteria provided, single submitter. Criteria: Invitae Variant Classification Sherloc (09022015). Collection method: clinical testing. Allele origin: germline.
Comment: This sequence change replaces asparagine, which is neutral and polar, with serine, which is neutral and polar, at codon 836 of the POLD1 protein (p.Asn836Ser). This variant is not present in population databases (gnomAD no frequency). This variant has not been reported in the literature in individuals affected with POLD1-related conditions. ClinVar contains an entry for this variant (Variation ID: 469267). Invitae Evidence Modeling of protein sequence and biophysical properties (such as structural, functional, and spatial information, amino acid conservation, physicochemical variation, residue mobility, and thermodynamic stability) indicates that this missense variant is not expected to disrupt POLD1 protein function with a negative predictive value of 80%. In summary, the available evidence is currently insufficient to determine the role of this variant in disease. Therefore, it has been classified as a Variant of Uncertain Significance.

Ambry Genetics
Classification: Uncertain significance for Hereditary cancer-predisposing syndrome. Last evaluated: 2021-06-23. Review status: criteria provided, single submitter. Criteria: Ambry Variant Classification Scheme 2023. Collection method: clinical testing. Allele origin: germline.
Comment: The p.N836S variant (also known as c.2507A>G), located in coding exon 19 of the POLD1 gene, results from an A to G substitution at nucleotide position 2507. The asparagine at codon 836 is replaced by serine, an amino acid with highly similar properties. This amino acid position is conserved. In addition, this alteration is predicted to be tolerated by in silico analysis. Since supporting evidence is limited at this time, the clinical significance of this alteration remains unclear.